The following is an entry in ClinVar:

ClinVar aggregate classification (germline): Uncertain significance (1 of 4 stars; one submission).

Conditions:
Nephronophthisis 16 (NPHP16). Identifiers: Orphanet 655, MedGen C3809320, MONDO:0014158, OMIM 615382.

gnomAD v4.1: 1 of 1,614,038 alleles (0.000062%); no homozygotes.

Submission:

Labcorp Genetics (formerly Invitae), Labcorp
Classification: Uncertain significance for Nephronophthisis 16. Last evaluated: 2021-12-03. Review status: criteria provided, single submitter. Criteria: Invitae Variant Classification Sherloc (09022015). Collection method: clinical testing. Allele origin: germline.
Comment: This sequence change replaces methionine, which is neutral and non-polar, with arginine, which is basic and polar, at codon 462 of the ANKS6 protein (p.Met462Arg). This variant is not present in population databases (gnomAD no frequency). This variant has not been reported in the literature in individuals affected with ANKS6-related conditions. Algorithms developed to predict the effect of missense changes on protein structure and function (SIFT, PolyPhen-2, Align-GVGD) all suggest that this variant is likely to be disruptive. In summary, the available evidence is currently insufficient to determine the role of this variant in disease. Therefore, it has been classified as a Variant of Uncertain Significance.

NM_173551.5(ANKS6):c.1385T>G (p.Met462Arg)

Gene: ANKS6 (ankyrin repeat and sterile alpha motif domain containing 6; minus strand). Cytogenetic location: 9q22.33.
Variant type: single nucleotide variant.
Coding change: c.1385T>G on transcript NM_173551.5 (MANE Select); coding-DNA position 1385, T replaced by G.
Protein change: p.Met462Arg; replaces methionine 462 with arginine.
Molecular consequence: missense variant.
Genome position (GRCh38, 1-based): chr9:98,778,408, A>C on the plus strand (T>G on the coding strand, the complement: ANKS6 is on the minus strand). VCF-style: chr9-98778408-A-C. GRCh37 (hg19) VCF-style: chr9-101540690-A-C.
Other names: short protein forms M462R.
Identifiers: ClinVar variation 1396311 (VCV001396311.6), dbSNP rs2118085004, ClinGen allele CA374215954.
Genomic context (GRCh38, chr9:98,778,408, plus strand): 5'-TTGCTGGACAGCCCACGGGGCAGCGTCTGCATCAGTTTGAGCTTTCGGAACCGATTGGAC[A>C]TTCGGTTCCACCAGGACTGCCAAAGGAACGCAGAGCAGAAGTCATGCTCCAGGAAGGGCA-3'
Protein context (NP_775822.3, residues 452-472): KGGLKSWWNR[Met462Arg]SNRFRKLKLM